The following is an entry in ClinVar:

NM_000295.5(SERPINA1):c.987_988insT (p.Leu330fs)

Gene: SERPINA1 (serpin family A member 1; minus strand). Cytogenetic location: 14q32.13.
Variant type: Insertion.
Coding change: c.987_988insT on transcript NM_000295.5 (MANE Select); coding-DNA positions 987 to 988, T inserted.
Protein change: p.Leu330fs; shifts the reading frame from leucine 330.
Molecular consequence: frameshift variant.
Genome position: GRCh38 VCF-style: chr14-94379541-G-GA. GRCh37 (hg19) VCF-style: chr14-94845878-G-GA.
Other names: c.987_988insT, p.Leu330fs (NM_001002235.3, NM_001002236.3, NM_001127700.2 and 7 more transcripts); short protein forms L330fs.
Identifiers: ClinVar variation 3060656 (VCV003060656.2), dbSNP rs1448114509, ClinGen allele CA616114919.

ClinVar aggregate classification (germline): Benign (0 of 4 stars; one submission).

Conditions:
SERPINA1-related disorder. Also called: SerpinA1-related disorders; SERPINA1-related condition.

Submission:

PreventionGenetics, part of Exact Sciences
Classification: Benign for SERPINA1-related condition. Last evaluated: 2020-03-10. Review status: no assertion criteria provided. Collection method: clinical testing. Allele origin: germline.
Comment: This variant is classified as benign based on ACMG/AMP sequence variant interpretation guidelines (Richards et al. 2015 PMID: 25741868, with internal and published modifications).